The following is an entry in ClinVar:

NM_000038.6(APC):c.1338C>G (p.Ile446Met)

Gene: APC (APC regulator of Wnt signaling pathway; plus strand). Cytogenetic location: 5q22.2.
Variant type: single nucleotide variant.
Coding change: c.1338C>G on transcript NM_000038.6 (MANE Select); coding-DNA position 1338, C replaced by G.
Protein change: p.Ile446Met; replaces isoleucine 446 with methionine.
Molecular consequence: missense variant. On other transcripts: non-coding transcript variant (2).
Genome position (GRCh38, 1-based): chr5:112,821,921, C>G. VCF-style: chr5-112821921-C-G. GRCh37 (hg19) VCF-style: chr5-112157618-C-G.
Other names: c.1368C>G, p.Ile456Met (NM_001354897.2, NM_001407446.1); c.1263C>G, p.Ile421Met (NM_001354898.2, NM_001407451.1); c.1254C>G, p.Ile418Met (NM_001354899.2, NM_001407452.1); c.1161C>G, p.Ile387Met (NM_001354900.2, NM_001354901.2, NM_001407453.1); c.1065C>G, p.Ile355Met (NM_001354902.2); c.1035C>G, p.Ile345Met (NM_001354903.2, NM_001407454.1, NM_001407455.1 and 5 more transcripts); c.960C>G, p.Ile320Met (NM_001354904.2); c.858C>G, p.Ile286Met (NM_001354905.2); and 5 more; short protein forms I163M, I456M, I62M, I320M, I345M, I355M, I446M, I286M.
Identifiers: ClinVar variation 2809734 (VCV002809734.3), dbSNP rs759703047, ClinGen allele CA16024235.
Genomic context (GRCh38, chr5:112,821,921, plus strand): 5'-AAAGCATTATGGTTTATGTTGATTTTATTTTTCAGTGCCAGCTCCTGTTGAACATCAGAT[C>G]TGTCCTGCTGTGTGTGTTCTAATGAAACTTTCATTTGATGAAGAGCATAGACATGCAATG-3'
Protein context (NP_000029.2, residues 436-456): NPMPAPVEHQ[Ile446Met]CPAVCVLMKL

ClinVar aggregate classification (germline): Uncertain significance (1 of 4 stars; one submission).

Conditions:
Familial adenomatous polyposis 1 (FAP1). Also called: FAMILIAL ADENOMATOUS POLYPOSIS 1, ATTENUATED; POLYPOSIS, ADENOMATOUS INTESTINAL. Identifiers: MedGen C2713442, MONDO:0021056, OMIM 175100. Disease mechanism: loss of function.

Submission:

Labcorp Genetics (formerly Invitae), Labcorp
Classification: Uncertain significance for Familial adenomatous polyposis 1. Last evaluated: 2022-10-27. Review status: criteria provided, single submitter. Criteria: Invitae Variant Classification Sherloc (09022015). Collection method: clinical testing. Allele origin: germline.
Comment: In summary, the available evidence is currently insufficient to determine the role of this variant in disease. Therefore, it has been classified as a Variant of Uncertain Significance. Advanced modeling of protein sequence and biophysical properties (such as structural, functional, and spatial information, amino acid conservation, physicochemical variation, residue mobility, and thermodynamic stability) performed at Invitae indicates that this missense variant is not expected to disrupt APC protein function. This variant has not been reported in the literature in individuals affected with APC-related conditions. This variant is not present in population databases (gnomAD no frequency). This sequence change replaces isoleucine, which is neutral and non-polar, with methionine, which is neutral and non-polar, at codon 446 of the APC protein (p.Ile446Met).